The following is an entry in ClinVar:

ClinVar aggregate classification (germline): Uncertain significance (1 of 4 stars; one submission).

Conditions:
Long QT syndrome (LQTS). Identifiers: MedGen C0023976, MeSH D008133, MONDO:0002442. Disease mechanism: loss of function. Inheritance: Various modes of inheritance.

Submission:

Labcorp Genetics (formerly Invitae), Labcorp
Classification: Uncertain significance for Long QT syndrome. Last evaluated: 2020-06-08. Review status: criteria provided, single submitter. Criteria: Invitae Variant Classification Sherloc (09022015). Collection method: clinical testing. Allele origin: germline.
Comment: This sequence change replaces serine with threonine at codon 983 of the CACNA1C protein (p.Ser983Thr). The serine residue is highly conserved and there is a small physicochemical difference between serine and threonine. This variant is not present in population databases (ExAC no frequency). This variant has not been reported in the literature in individuals with CACNA1C-related conditions. Algorithms developed to predict the effect of missense changes on protein structure and function are either unavailable or do not agree on the potential impact of this missense change (SIFT: "Deleterious"; PolyPhen-2: "Probably Damaging"; Align-GVGD: "Class C0"). In summary, the available evidence is currently insufficient to determine the role of this variant in disease. Therefore, it has been classified as a Variant of Uncertain Significance.

NM_000719.7(CACNA1C):c.2947T>A (p.Ser983Thr)

Gene: CACNA1C (calcium voltage-gated channel subunit alpha1 C; plus strand). Cytogenetic location: 12p13.33.
Variant type: single nucleotide variant.
Coding change: c.2947T>A on transcript NM_000719.7 (MANE Select); coding-DNA position 2947, T replaced by A.
Protein change: p.Ser983Thr; replaces serine 983 with threonine.
Molecular consequence: missense variant.
Genome position (GRCh38, 1-based): chr12:2,601,947, T>A. VCF-style: chr12-2601947-T-A. GRCh37 (hg19) VCF-style: chr12-2711113-T-A.
Other names: c.3007T>A, p.Ser1003Thr (NM_001129827.2, NM_001129832.2, NM_199460.4); c.2947T>A, p.Ser983Thr (NM_001129829.2, NM_001129830.3, NM_001129831.2 and 15 more transcripts); c.2938T>A, p.Ser980Thr (NM_001129844.2); short protein forms S1003T, S980T, S983T.
Identifiers: ClinVar variation 1062690 (VCV001062690.9), dbSNP rs2153406416, ClinGen allele CA383373236.
Genomic context (GRCh38, chr12:2,601,947, plus strand): 5'-TCTTTCTGCCGGAACTACTTCAACATCCTGGACCTGCTGGTGGTCAGCGTGTCCCTCATC[T>A]CCTTTGGCATCCAGTGAGTGGGAGCCCCTCAGCCCACGATGGGCCATGCAGCTAGCAAGG-3'
Protein context (NP_000710.5, residues 973-993): DLLVVSVSLI[Ser983Thr]FGIQSSAINV